The following is an entry in ClinVar:

NM_001384732.1(CPLANE1):c.9157del (p.Ser3053fs)

Gene: CPLANE1 (ciliogenesis and planar polarity effector complex subunit 1; minus strand). Cytogenetic location: 5p13.2.
Variant type: Deletion.
Coding change: c.9157del on transcript NM_001384732.1 (MANE Select); coding-DNA position 9157, one base deleted (A; older notation c.9157delA).
Protein change: p.Ser3053fs; shifts the reading frame from serine 3053.
Molecular consequence: frameshift variant.
Genome position (GRCh38, 1-based): chr5:37,121,645, T deleted on the plus strand (A on the coding strand, the reverse complement: CPLANE1 is on the minus strand). VCF-style (leftmost placement, unchanged base first): chr5-37121644-CT-C. GRCh37 (hg19) VCF-style: chr5-37121746-CT-C.
Other names: c.8995del (NM_023073.3); c.8995del, p.Ser2999fs (NM_023073.4); c.8995delA (NM_023073.3); short protein forms S3053fs, S2999fs.
Identifiers: ClinVar variation 3592362 (VCV003592362.2).

ClinVar aggregate classification (germline): Likely pathogenic. Review status: criteria provided, multiple submitters, no conflicts (2 of 4 stars). 2 submissions from 2 submitters: Likely pathogenic (2). Last evaluated 2025-07-12.

Conditions:
CPLANE1-related disorder. Also called: CPLANE1-related condition.
Orofaciodigital syndrome type 6 (OFD6). Also called: OROFACIODIGITAL SYNDROME VI; OFDS VI; POLYDACTYLY, CLEFT LIP/PALATE OR LINGUAL LUMP, AND PSYCHOMOTOR RETARDATION; VARADI SYNDROME; VARADI-PAPP SYNDROME; Oral-facial-digital syndrome type 6. Identifiers: Orphanet 2754, MedGen C2745997, MONDO:0010176, OMIM 277170.
Joubert syndrome 17 (JBTS17). Identifiers: Orphanet 475, MedGen C3553264, MONDO:0013824, OMIM 614615.

Submissions (2):

PreventionGenetics, part of Exact Sciences
Classification: Likely pathogenic for CPLANE1-related condition. Last evaluated: 2025-07-12. Review status: criteria provided, single submitter. Criteria: ACMG Guidelines, 2015. Collection method: clinical testing. Allele origin: germline.
Comment: The CPLANE1 c.8995delA variant is predicted to result in a frameshift and premature protein termination (p.Ser2999Valfs*19). To our knowledge, this variant has not been reported in the literature. This variant is present in 0.0062% of alleles in individuals of African descent in gnomAD. Frameshift variants in CPLANE1 are an established mechanism of disease. This variant is interpreted as likely pathogenic.

Fulgent Genetics
Classification: Likely pathogenic for Orofaciodigital syndrome type 6; Joubert syndrome 17. Last evaluated: 2024-05-20. Review status: criteria provided, single submitter. Criteria: ACMG Guidelines, 2015. Collection method: clinical testing. Allele origin: germline.